The following is an entry in ClinVar:

NM_001204.7(BMPR2):c.1040G>A (p.Cys347Tyr)

Gene: BMPR2 (bone morphogenetic protein receptor type 2; plus strand). Cytogenetic location: 2q33.2.
Variant type: single nucleotide variant.
Coding change: c.1040G>A on transcript NM_001204.7 (MANE Select); coding-DNA position 1040, G replaced by A.
Protein change: p.Cys347Tyr; replaces cysteine 347 with tyrosine.
Molecular consequence: missense variant.
Genome position (GRCh38, 1-based): chr2:202,530,866, G>A. VCF-style: chr2-202530866-G-A. GRCh37 (hg19) VCF-style: chr2-203395589-G-A.
Other names: NM_001204.7(BMPR2):c.1040G>A; c.1040G>A, p.Cys347Tyr (LRG_712t1); short protein forms C347Y.
Identifiers: ClinVar variation 8800 (VCV000008800.6), dbSNP rs137852744, ClinGen allele CA278077.

ClinVar aggregate classification (germline): Likely pathogenic. Review status: reviewed by expert panel (3 of 4 stars). 5 submissions from 5 submitters: Likely pathogenic (1). 4 of the submissions do not count toward it. Last evaluated 2024-05-01.

Conditions:
Pulmonary arterial hypertension. Identifiers: Orphanet 182090, MedGen C2973725, MeSH D000081029, MONDO:0015924, HP:0002092.
Idiopathic and/or familial pulmonary arterial hypertension. Identifiers: Orphanet 422, MedGen C5679820, MONDO:0008347.
Pulmonary hypertension, primary, 1 (PPH1). Also called: Pulmonary hypertension, familial primary, 1, with or without HHT. Identifiers: Orphanet 422, MedGen C4552070, MONDO:0024533, OMIM 178600.
Pulmonary venoocclusive disease 1 (PVOD1). Also called: Pulmonary venoocclusive disease 1, autosomal dominant. Identifiers: Orphanet 31837, MedGen C3887658, MONDO:0020713, OMIM 265450.

Submissions (5):

Clingen Pulmonary Hypertension Variant Curation Expert Panel, ClinGen
Classification: Likely pathogenic for Pulmonary arterial hypertension. Last evaluated: 2024-05-01. Review status: reviewed by expert panel. Criteria: ClinGen PH ACMG Specifications BMPR2 V1.1.0. Collection method: curation. Allele origin: germline. Inheritance: Autosomal dominant inheritance.
Comment: The NM_001204.7(BMPR2) c.1040A>C variant is a missense variant predicted to cause substitution of cysteine by tyrosine at amino acid 347 (p.Cys347Tyr). This variant is absent from gnomAD v2.1.1 and v3.1.2 controls (PM2_supporting). The computational predictor REVEL gives a score of 0.939, which is above the thresholds predicting a damaging impact on BMPR2 function (PP3). A different change affecting the same amino acid (c.1039T>C p.(Cys347Arg); PMID: 26387786) has been reported as likely pathogenic (PM5_supporting). Cytoplasmatic retention assay demonstrates impaired signaling with subcellular localization in HeLa cells showing retainment in endoplasmatic reticulum, not significantly different to empty plasmid. However, this analysis lacks validation controls (PMID: 12045205; PS3_supporting). This variant has been reported in 5 probands meeting pulmonary arterial hypertension criteria (PS4 ; PMIDs 10973254; 26645265; 29631995; 31727138). In summary, this variant meets the criteria to be classified as likely pathogenic for pulmonary arterial hypertension based on the ACMG/AMP criteria applied, as specified by the ClinGen Pulmonary Hypertension VCEP: PM2_supporting, PS4, PP3, PM5_supporting, PS3_supporting (VCEP specifications version 1.1, 1/18/2024).

Fulgent Genetics
Classification: Likely pathogenic for Pulmonary hypertension, primary, 1; Pulmonary venoocclusive disease 1. Last evaluated: 2024-06-17. Review status: criteria provided, single submitter. Criteria: ACMG Guidelines, 2015. Collection method: clinical testing. Allele origin: germline. Not counted in ClinVar's aggregate classification.

OMIM
Classification: Pathogenic for PULMONARY HYPERTENSION, PRIMARY, 1. Last evaluated: 2000-09-01. Review status: no assertion criteria provided. Collection method: literature only. Allele origin: germline. Not counted in ClinVar's aggregate classification.

Rare Disease Genomics Group, St George's University of London
Classification: Pathogenic for Primary pulmonary hypertension. Review status: no assertion criteria provided. Collection method: literature only. Allele origin: germline. Affected: yes. Not counted in ClinVar's aggregate classification.

Wendy Chung Laboratory, Boston Children's Hospital
No classification provided. Condition: Idiopathic and/or familial pulmonary arterial hypertension. Review status: no classification provided. Collection method: literature only. Allele origin: germline. Affected: yes. Not counted in ClinVar's aggregate classification.

Literature cited by the submitters: PubMed 10973254 (cited by OMIM and Rare Disease Genomics Group, St George's University of London); PubMed 16429395 (cited by Rare Disease Genomics Group, St George's University of London); PubMed 31727138 (cited by Wendy Chung Laboratory, Boston Children's Hospital).